The following is an entry in ClinVar:

ClinVar aggregate classification (germline): Uncertain significance. Review status: criteria provided, multiple submitters, no conflicts (2 of 4 stars). 2 submissions from 2 submitters: Uncertain significance (2). Last evaluated 2025-04-17.

Conditions:
Inborn genetic diseases. Identifiers: MedGen C0950123, MeSH D030342.

Allele frequency attached by ClinVar (database versions not stated): TOPMed below 0.00001; ExAC 0.00001.
gnomAD v4.1: 21 of 1,613,796 alleles (0.0013%); highest among the groups gnomAD compares: Non-Finnish European, 0.0017%; no homozygotes.

Submissions (2):

Labcorp Genetics (formerly Invitae), Labcorp
Classification: Uncertain significance. Last evaluated: 2025-04-17. Review status: criteria provided, single submitter. Criteria: Invitae Variant Classification Sherloc (09022015). Collection method: clinical testing. Allele origin: germline.
Comment: This sequence change replaces leucine, which is neutral and non-polar, with phenylalanine, which is neutral and non-polar, at codon 655 of the ACAN protein (p.Leu655Phe). The frequency data for this variant in the population databases is considered unreliable, as metrics indicate poor data quality at this position in the gnomAD database. This variant has not been reported in the literature in individuals affected with ACAN-related conditions. ClinVar contains an entry for this variant (Variation ID: 3017929). Invitae Evidence Modeling of protein sequence and biophysical properties (such as structural, functional, and spatial information, amino acid conservation, physicochemical variation, residue mobility, and thermodynamic stability) indicates that this missense variant is not expected to disrupt ACAN protein function with a negative predictive value of 80%. In summary, the available evidence is currently insufficient to determine the role of this variant in disease. Therefore, it has been classified as a Variant of Uncertain Significance.

Ambry Genetics
Classification: Uncertain significance for Inborn genetic diseases. Last evaluated: 2025-02-01. Review status: criteria provided, single submitter. Criteria: Ambry Variant Classification Scheme 2023. Collection method: clinical testing. Allele origin: germline.

NM_001369268.1(ACAN):c.1963C>T (p.Leu655Phe)

Gene: ACAN (aggrecan; plus strand). Cytogenetic location: 15q26.1.
Variant type: single nucleotide variant.
Coding change: c.1963C>T on transcript NM_001369268.1 (MANE Select); coding-DNA position 1963, C replaced by T.
Protein change: p.Leu655Phe; replaces leucine 655 with phenylalanine.
Molecular consequence: missense variant.
Genome position (GRCh38, 1-based): chr15:88,849,668, C>T. VCF-style: chr15-88849668-C-T. GRCh37 (hg19) VCF-style: chr15-89392899-C-T.
Other names: c.1963C>T, p.Leu655Phe (NM_001135.4, NM_001411096.1, NM_001411097.1 and 1 more transcripts); c.1963C>T (NM_013227.3); short protein forms L655F.
Identifiers: ClinVar variation 3017929 (VCV003017929.4), dbSNP rs746773847, ClinGen allele CA7719740.